The following is an entry in ClinVar:

NM_024652.6(LRRK1):c.2950G>A (p.Val984Ile)

Gene: LRRK1 (leucine rich repeat kinase 1; plus strand). Cytogenetic location: 15q26.3.
Variant type: single nucleotide variant.
Coding change: c.2950G>A on transcript NM_024652.6 (MANE Select); coding-DNA position 2950, G replaced by A.
Protein change: p.Val984Ile; replaces valine 984 with isoleucine.
Molecular consequence: missense variant.
Genome position (GRCh38, 1-based): chr15:101,029,219, G>A. VCF-style: chr15-101029219-G-A. GRCh37 (hg19) VCF-style: chr15-101569424-G-A.
Other names: c.2950G>A (NM_024652.3); short protein forms V984I.
Identifiers: ClinVar variation 2062871 (VCV002062871.3), dbSNP rs369265377, ClinGen allele CA7761383.
Genomic context (GRCh38, chr15:101,029,219, plus strand): 5'-ACGCAGCAGACGGAAGAGCAGTACTTCCAGTTCCTGGCCAAGTTTGAGATCGCCCTGCCC[G>A]TCGCCAATGACAGGTGAGGACACAACTTAACACGCCAGGCTGTGCAGGTTGCTCCCCGAA-3'
Protein context (NP_078928.3, residues 974-994): FLAKFEIALP[Val984Ile]ANDSYLLPHL

ClinVar aggregate classification (germline): Uncertain significance. Review status: criteria provided, multiple submitters, no conflicts (2 of 4 stars). 2 submissions from 2 submitters: Uncertain significance (2). Last evaluated 2023-08-14.

Conditions:
Inborn genetic diseases. Identifiers: MedGen C0950123, MeSH D030342.

Allele frequency attached by ClinVar (database versions not stated): gnomAD 0.00003; TOPMed 0.00003; gnomAD exomes 0.00005; ExAC 0.00009; ESP Exome Variant Server 0.00016.
gnomAD v4.1: 73 of 1,611,292 alleles (0.0045%); highest among the groups gnomAD compares: East Asian, 0.036%; no homozygotes.

Submissions (2):

Ambry Genetics
Classification: Uncertain significance for Inborn genetic diseases. Last evaluated: 2023-08-14. Review status: criteria provided, single submitter. Criteria: Ambry Variant Classification Scheme 2023. Collection method: clinical testing. Allele origin: germline.

Labcorp Genetics (formerly Invitae), Labcorp
Classification: Uncertain significance. Last evaluated: 2022-03-26. Review status: criteria provided, single submitter. Criteria: Invitae Variant Classification Sherloc (09022015). Collection method: clinical testing. Allele origin: germline.
Comment: This sequence change replaces valine, which is neutral and non-polar, with isoleucine, which is neutral and non-polar, at codon 984 of the LRRK1 protein (p.Val984Ile). This variant is present in population databases (rs369265377, gnomAD 0.07%). This variant has not been reported in the literature in individuals affected with LRRK1-related conditions. Algorithms developed to predict the effect of missense changes on protein structure and function are either unavailable or do not agree on the potential impact of this missense change (SIFT: "Tolerated"; PolyPhen-2: "Probably Damaging"; Align-GVGD: "Class C0"). In summary, the available evidence is currently insufficient to determine the role of this variant in disease. Therefore, it has been classified as a Variant of Uncertain Significance.